The following is an entry in ClinVar:

ClinVar aggregate classification (germline): Likely benign (1 of 4 stars; one submission).

Conditions:
RAB23-related Carpenter syndrome. Also called: ACPS II; Carpenter syndrome 1. Identifiers: Orphanet 65759, MedGen C4551510, MONDO:0008710, OMIM 201000.

Allele frequency attached by ClinVar (database versions not stated): TOPMed 0.00104; 1000 Genomes Project 30x 0.00094; gnomAD 0.00091 and 0.00086; 1000 Genomes Project 0.00120.

Submission:

Illumina Laboratory Services, Illumina
Classification: Likely benign for RAB23-related Carpenter syndrome. Last evaluated: 2018-01-13. Review status: criteria provided, single submitter. Criteria: ICSL Variant Classification Criteria 13 December 2019. Collection method: clinical testing. Allele origin: germline.
Comment: This variant was observed in the ICSL laboratory as part of a predisposition screen in an ostensibly healthy population. It had not been previously curated by ICSL or reported in the Human Gene Mutation Database (HGMD: prior to June 1st, 2018), and was therefore a candidate for classification through an automated scoring system. Utilizing variant allele frequency, disease prevalence and penetrance estimates, and inheritance mode, an automated score was calculated to assess if this variant is too frequent to cause the disease. Based on the score and internal cut-off values, a variant classified as likely benign is not then subjected to further curation. The score for this variant resulted in a classification of likely benign for this disease.

NM_016277.5(RAB23):c.*3189T>C

Genes: BAG2 (BAG cochaperone 2; plus strand), RAB23 (RAB23, member RAS oncogene family; minus strand). Cytogenetic location: 6p12.1.
Variant type: single nucleotide variant.
Coding change: c.*3189T>C on transcript NM_016277.5 (MANE Select); 3189 bases downstream of the stop codon, T replaced by C.
Molecular consequence: 3 prime UTR variant. On other transcripts: non-coding transcript variant (1).
Genome position (GRCh38, 1-based): chr6:57,187,272, A>G on the plus strand (T>C on the coding strand, the complement: RAB23 is on the minus strand). VCF-style: chr6-57187272-A-G. GRCh37 (hg19) VCF-style: chr6-57052070-A-G.
Other names: c.*3082A>G (NM_004282.4); c.*3189T>C (NM_001278666.2, NM_001278667.2, NM_001278668.2 and 1 more transcripts).
Identifiers: ClinVar variation 908521 (VCV000908521.4), dbSNP rs139222657, ClinGen allele CA15442049.